The following is an entry in ClinVar:

NM_201435.5(CCDC62):c.42C>T (p.Ile14=)

Gene: CCDC62 (coiled-coil domain containing 62; plus strand). Cytogenetic location: 12q24.31.
Variant type: single nucleotide variant.
Coding change: c.42C>T on transcript NM_201435.5 (MANE Select); coding-DNA position 42, C replaced by T.
Protein change: p.Ile14=; no amino-acid change (isoleucine 14 retained).
Molecular consequence: synonymous variant. On other transcripts: non-coding transcript variant (1).
Genome position (GRCh38, 1-based): chr12:122,777,496, C>T. VCF-style: chr12-122777496-C-T. GRCh37 (hg19) VCF-style: chr12-123262043-C-T.
Identifiers: ClinVar variation 2643506 (VCV002643506.24), dbSNP rs61956960, ClinGen allele CA6850262.

ClinVar aggregate classification (germline): Benign (1 of 4 stars; one submission).

Allele frequency attached by ClinVar (database versions not stated): 1000 Genomes Project 30x 0.00265; 1000 Genomes Project 0.00280; ExAC 0.00832; gnomAD 0.00846; TOPMed 0.00901; ESP Exome Variant Server 0.01030.
gnomAD v4.1: 19,197 of 1,606,116 alleles (1.2%); highest among the groups gnomAD compares: Non-Finnish European, 1.5%; 153 homozygotes.

Submission:

CeGaT Center for Human Genetics Tuebingen
Classification: Benign. Last evaluated: 2022-11-01. Review status: criteria provided, single submitter. Criteria: CeGaT Center For Human Genetics Tuebingen Variant Classification Criteria Version 2. Collection method: clinical testing. Allele origin: germline. Affected: yes. Observed: 1 variant allele.
Comment: CCDC62: BP4, BP7, BS1, BS2